The following is an entry in ClinVar:

NM_001098479.2(HLA-F):c.864C>G (p.Pro288=)

Gene: HLA-F (major histocompatibility complex, class I, F; plus strand). Cytogenetic location: 6p22.1.
Variant type: single nucleotide variant.
Coding change: c.864C>G on transcript NM_001098479.2 (MANE Select); coding-DNA position 864, C replaced by G.
Protein change: p.Pro288=; no amino-acid change (proline 288 retained).
Molecular consequence: synonymous variant. On other transcripts: intron variant (1).
Genome position (GRCh38, 1-based): chr6:29,725,284, C>G. VCF-style: chr6-29725284-C-G. GRCh37 (hg19) VCF-style: chr6-29693061-C-G.
Other names: c.864C>G, p.Pro288= (NM_018950.3); c.611-163C>G (NM_001098478.2).
Identifiers: ClinVar variation 2656326 (VCV002656326.24), dbSNP rs1405929879, ClinGen allele CA449459652.
Genomic context (GRCh38, chr6:29,725,284, plus strand): 5'-GGTGGTGCCTCCTGGAGAGGAACAGAGATACACATGCCATGTGCAGCACGAGGGGCTGCC[C>G]CAGCCCCTCATCCTGAGATGGGGTAAGGAGGGAGATGGGTAAAGAGGGGAACGAGGGGTC-3'
Protein context (NP_001091949.1, residues 278-298): YTCHVQHEGL[Pro288=]QPLILRWEQS

ClinVar aggregate classification (germline): Likely benign (1 of 4 stars; one submission).

Submission:

CeGaT Center for Human Genetics Tuebingen
Classification: Likely benign. Last evaluated: 2023-11-01. Review status: criteria provided, single submitter. Criteria: CeGaT Center For Human Genetics Tuebingen Variant Classification Criteria Version 2. Collection method: clinical testing. Allele origin: germline. Affected: yes. Observed: 1 variant allele.
Comment: HLA-F: PM2:Supporting, BP4, BP7